The following is an entry in ClinVar:

ClinVar aggregate classification (germline): Uncertain significance (1 of 4 stars; one submission).

Submission:

Labcorp Genetics (formerly Invitae), Labcorp
Classification: Uncertain significance. Last evaluated: 2023-12-31. Review status: criteria provided, single submitter. Criteria: Invitae Variant Classification Sherloc (09022015). Collection method: clinical testing. Allele origin: germline.
Comment: This sequence change replaces histidine, which is basic and polar, with tyrosine, which is neutral and polar, at codon 391 of the LPIN1 protein (p.His391Tyr). This variant is not present in population databases (gnomAD no frequency). This variant has not been reported in the literature in individuals affected with LPIN1-related conditions. Advanced modeling of protein sequence and biophysical properties (such as structural, functional, and spatial information, amino acid conservation, physicochemical variation, residue mobility, and thermodynamic stability) performed at Invitae indicates that this missense variant is expected to disrupt LPIN1 protein function with a positive predictive value of 80%. In summary, the available evidence is currently insufficient to determine the role of this variant in disease. Therefore, it has been classified as a Variant of Uncertain Significance.

NM_001349206.2(LPIN1):c.1279C>T (p.His427Tyr)

Gene: LPIN1 (lipin 1; plus strand). Cytogenetic location: 2p25.1.
Variant type: single nucleotide variant.
Coding change: c.1279C>T on transcript NM_001349206.2 (MANE Select); coding-DNA position 1279, C replaced by T.
Protein change: p.His427Tyr; replaces histidine 427 with tyrosine.
Molecular consequence: missense variant. On other transcripts: non-coding transcript variant (1).
Genome position (GRCh38, 1-based): chr2:11,783,843, C>T. VCF-style: chr2-11783843-C-T. GRCh37 (hg19) VCF-style: chr2-11923969-C-T.
Other names: c.1189C>T, p.His397Tyr (NM_001261427.3); c.1426C>T, p.His476Tyr (NM_001261428.3); c.1171C>T, p.His391Tyr (NM_001349199.2, NM_001349200.2, NM_001349201.2 and 1 more transcripts); c.1276C>T, p.His426Tyr (NM_001349202.2, NM_001349203.2); c.1279C>T, p.His427Tyr (NM_001349204.2, NM_001349205.2); c.1369C>T, p.His457Tyr (NM_001349207.2); c.1318C>T, p.His440Tyr (NM_001349208.2); short protein forms H397Y, H426Y, H427Y, H457Y, H391Y, H440Y, H476Y.
Identifiers: ClinVar variation 2876566 (VCV002876566.3), dbSNP rs2546134184, ClinGen allele CA345857054.
Genomic context (GRCh38, chr2:11,783,843, plus strand): 5'-ATTTCTAGAAGAGTGGTTTTCTGACTTGAGCCATTTGCCGTTTTAGATAAACGAAGCCGA[C>T]ATCTTGGTGCTGACGGCGTCTACTTGGATGACCTCACAGACATGGATCCTGAAGTGGCGG-3'
Protein context (NP_001336135.1, residues 417-437): PSRKRDKRSR[His427Tyr]LGADGVYLDD